The following is an entry in ClinVar:

NM_004104.5(FASN):c.1518G>A (p.Met506Ile)

Gene: FASN (fatty acid synthase; minus strand). Cytogenetic location: 17q25.3.
Variant type: single nucleotide variant.
Coding change: c.1518G>A on transcript NM_004104.5 (MANE Select); coding-DNA position 1518, G replaced by A.
Protein change: p.Met506Ile; replaces methionine 506 with isoleucine.
Molecular consequence: missense variant.
Genome position (GRCh38, 1-based): chr17:82,091,044, C>T on the plus strand (G>A on the coding strand, the complement: FASN is on the minus strand). VCF-style: chr17-82091044-C-T. GRCh37 (hg19) VCF-style: chr17-80048920-C-T.
Other names: short protein forms M506I.
Identifiers: ClinVar variation 2986845 (VCV002986845.3), dbSNP rs2509842789, ClinGen allele CA401560273.

ClinVar aggregate classification (germline): Uncertain significance (1 of 4 stars; one submission).

Conditions:
Epileptic encephalopathy. Identifiers: MedGen C0543888, HP:0200134.

Allele frequency attached by ClinVar (database versions not stated): gnomAD exomes below 0.00001.

Submission:

Labcorp Genetics (formerly Invitae), Labcorp
Classification: Uncertain significance for Epileptic encephalopathy. Last evaluated: 2023-04-26. Review status: criteria provided, single submitter. Criteria: Invitae Variant Classification Sherloc (09022015). Collection method: clinical testing. Allele origin: germline.
Comment: This sequence change replaces methionine, which is neutral and non-polar, with isoleucine, which is neutral and non-polar, at codon 506 of the FASN protein (p.Met506Ile). This variant is not present in population databases (gnomAD no frequency). This variant has not been reported in the literature in individuals affected with FASN-related conditions. An algorithm developed to predict the effect of missense changes on protein structure and function (PolyPhen-2) suggests that this variant is likely to be disruptive. In summary, the available evidence is currently insufficient to determine the role of this variant in disease. Therefore, it has been classified as a Variant of Uncertain Significance.